The following is an entry in ClinVar:

ClinVar aggregate classification (germline): Benign/Likely benign. Review status: criteria provided, multiple submitters, no conflicts (2 of 4 stars). 7 submissions from 7 submitters: Benign (1); Likely benign (4). 2 of the submissions do not count toward it. Last evaluated 2026-01-27.

Conditions:
GRM6-related disorder. Also called: GRM6-related condition.

Allele frequency attached by ClinVar (database versions not stated): 1000 Genomes Project 0.00379; 1000 Genomes Project 30x 0.00437; ESP Exome Variant Server 0.00531; ExAC 0.00549; gnomAD exomes 0.00559 and 0.00748; TOPMed 0.00567; gnomAD 0.00571 and 0.00587.
gnomAD v4.1: 11,709 of 1,613,956 alleles (0.73%); highest among the groups gnomAD compares: Non-Finnish European, 0.87%; 46 homozygotes.

Submissions (7):

Labcorp Genetics (formerly Invitae), Labcorp
Classification: Benign. Last evaluated: 2026-01-27. Review status: criteria provided, single submitter. Criteria: Invitae Variant Classification Sherloc (09022015). Collection method: clinical testing. Allele origin: germline.

Blueprint Genetics
Classification: Likely benign. Last evaluated: 2024-11-25. Review status: criteria provided, single submitter. Criteria: ACMG Guidelines, 2015. Collection method: clinical testing. Allele origin: germline.

CeGaT Center for Human Genetics Tuebingen
Classification: Likely benign. Last evaluated: 2023-01-01. Review status: criteria provided, single submitter. Criteria: CeGaT Center For Human Genetics Tuebingen Variant Classification Criteria Version 2. Collection method: clinical testing. Allele origin: germline. Affected: yes. Observed: 1 variant allele.
Comment: GRM6: BP4, BP7, BS2

Eurofins Ntd Llc (ga)
Classification: Likely benign. Last evaluated: 2015-01-30. Review status: criteria provided, single submitter. Criteria: EGL Classification Definitions 2015. Collection method: clinical testing. Allele origin: germline. Observed: 1 variant allele, 1 heterozygote.

Breakthrough Genomics
Classification: Likely benign. Review status: criteria provided, single submitter. Criteria: ACMG Guidelines, 2015. Collection method: not provided. Allele origin: germline. Inheritance: Autosomal recessive inheritance. Affected: yes.

PreventionGenetics, part of Exact Sciences
Classification: Benign for GRM6-related condition. Last evaluated: 2019-07-22. Review status: no assertion criteria provided. Collection method: clinical testing. Allele origin: germline. Not counted in ClinVar's aggregate classification.
Comment: This variant is classified as benign based on ACMG/AMP sequence variant interpretation guidelines (Richards et al. 2015 PMID: 25741868, with internal and published modifications).

Retina International
No classification provided. Review status: no classification provided. Collection method: not provided. Allele origin: not provided. Not counted in ClinVar's aggregate classification.

NM_000843.4(GRM6):c.1953C>T (p.Ala651=)

Genes: ZNF454 (zinc finger protein 454; plus strand), GRM6 (glutamate metabotropic receptor 6; minus strand). Cytogenetic location: 5q35.3.
Variant type: single nucleotide variant.
Coding change: c.1953C>T on transcript NM_000843.4 (MANE Select); coding-DNA position 1953, C replaced by T.
Protein change: p.Ala651=; no amino-acid change (alanine 651 retained).
Molecular consequence: synonymous variant.
Genome position (GRCh38, 1-based): chr5:178,986,301, G>A on the plus strand (C>T on the coding strand, the complement: GRM6 is on the minus strand). VCF-style: chr5-178986301-G-A. GRCh37 (hg19) VCF-style: chr5-178413302-G-A.
Identifiers: ClinVar variation 99638 (VCV000099638.42), dbSNP rs62638620, ClinGen allele CA203594.